The following is an entry in ClinVar:

ClinVar aggregate classification (germline): Conflicting classifications of pathogenicity. Review status: criteria provided, conflicting classifications (1 of 4 stars). 3 submissions from 3 submitters: Likely pathogenic (1); Uncertain significance (2). Last evaluated 2025-09-28.

Conditions:
Hypogonadotropic hypogonadism 3 with or without anosmia (HH3). Also called: HYPOGONADOTROPIC HYPOGONADISM 3 WITH ANOSMIA; PROKR2-Related GnRH Deficiency (Kallmann Syndrome 3). Identifiers: Orphanet 478, MedGen C3550478, MONDO:0009482, OMIM 244200.

Allele frequency attached by ClinVar (database versions not stated): ExAC 0.00006; gnomAD 0.00013; ESP Exome Variant Server 0.00015.
gnomAD v4.1: 231 of 1,614,086 alleles (0.014%); highest among the groups gnomAD compares: Non-Finnish European, 0.016%; no homozygotes.

Submissions (3):

Labcorp Genetics (formerly Invitae), Labcorp
Classification: Uncertain significance. Last evaluated: 2025-09-28. Review status: criteria provided, single submitter. Criteria: Invitae Variant Classification Sherloc (09022015). Collection method: clinical testing. Allele origin: germline.
Comment: This sequence change replaces threonine, which is neutral and polar, with methionine, which is neutral and non-polar, at codon 260 of the PROKR2 protein (p.Thr260Met). This variant is present in population databases (rs370738961, gnomAD 0.02%). This missense change has been observed in individual(s) with clinical features of autosomal dominant Kallmann syndrome (PMID: 20696889, 24276467). ClinVar contains an entry for this variant (Variation ID: 1303090). Invitae Evidence Modeling of protein sequence and biophysical properties (such as structural, functional, and spatial information, amino acid conservation, physicochemical variation, residue mobility, and thermodynamic stability) indicates that this missense variant is expected to disrupt PROKR2 protein function with a positive predictive value of 80%. Experimental studies have shown that this missense change affects PROKR2 function (PMID: 24276467, 29161432). In summary, the available evidence is currently insufficient to determine the role of this variant in disease. Therefore, it has been classified as a Variant of Uncertain Significance.

Women's Health and Genetics/Laboratory Corporation of America, LabCorp
Classification: Likely pathogenic for Hypogonadotropic hypogonadism 3 with or without anosmia. Last evaluated: 2025-09-02. Review status: criteria provided, single submitter. Criteria: LabCorp Variant Classification Summary - May 2015. Collection method: clinical testing. Allele origin: germline.
Comment: Variant summary: PROKR2 c.779C>T (p.Thr260Met) results in a non-conservative amino acid change in the encoded protein sequence. Algorithms developed to predict the effect of missense changes on protein structure and function are either unavailable or do not agree on the potential impact of this missense change. The variant allele was found at a frequency of 9.9e-05 in 251414 control chromosomes. This frequency is not significantly higher than estimated for disease-causing variants in PROKR2, allowing no conclusion about variant significance. c.779C>T has been observed in the heterozygous state in at least 3 individual(s) affected with clinical features of Kallmann Syndrome 3 (Costa-Barbosa_2013, Libri_2014, Sykiotis_2010), as well as in the presumed compound heterozygous state in 1 individual with PROKR2-related conditions (Dwyer_2022). These data indicate that the variant may be associated with disease. At least one publication reports experimental evidence evaluating an impact on protein function. The most pronounced variant effect results in 10%-<30% of normal activity in vitro (Cox_2018, Libri_2014). The following publications have been ascertained in the context of this evaluation (PMID: 23533228, 30476936, 36407308, 27828722, 29161432, 24276467, 36694982, 21736917, 20696889, 36843573). ClinVar contains an entry for this variant (Variation ID: 1303090). Based on the evidence outlined above, the variant was classified as likely pathogenic.

GeneDx
Classification: Uncertain significance. Last evaluated: 2019-03-18. Review status: criteria provided, single submitter. Criteria: GeneDx Variant Classification Process June 2021. Collection method: clinical testing. Allele origin: germline. Affected: yes.
Comment: In silico analysis, which includes protein predictors and evolutionary conservation, supports a deleterious effect; This variant is associated with the following publications: (PMID: 21736917, 29161432, 24276467, 20696889)

Literature cited by the submitters: PubMed 20696889 (cited by Labcorp Genetics (formerly Invitae), Labcorp and Women's Health and Genetics/Laboratory Corporation of America, LabCorp); PubMed 24276467 (cited by Labcorp Genetics (formerly Invitae), Labcorp and Women's Health and Genetics/Laboratory Corporation of America, LabCorp); PubMed 29161432 (cited by Labcorp Genetics (formerly Invitae), Labcorp and Women's Health and Genetics/Laboratory Corporation of America, LabCorp); PubMed 23533228 (cited by Women's Health and Genetics/Laboratory Corporation of America, LabCorp); PubMed 36694982 (cited by Women's Health and Genetics/Laboratory Corporation of America, LabCorp); PubMed 30476936 (cited by Women's Health and Genetics/Laboratory Corporation of America, LabCorp); PubMed 36407308 (cited by Women's Health and Genetics/Laboratory Corporation of America, LabCorp); PubMed 21736917 (cited by Women's Health and Genetics/Laboratory Corporation of America, LabCorp); PubMed 36843573 (cited by Women's Health and Genetics/Laboratory Corporation of America, LabCorp); PubMed 27828722 (cited by Women's Health and Genetics/Laboratory Corporation of America, LabCorp).

NM_144773.4(PROKR2):c.779C>T (p.Thr260Met)

Gene: PROKR2 (prokineticin receptor 2; minus strand). Cytogenetic location: 20p12.3.
Variant type: single nucleotide variant.
Coding change: c.779C>T on transcript NM_144773.4 (MANE Select); coding-DNA position 779, C replaced by T.
Protein change: p.Thr260Met; replaces threonine 260 with methionine.
Molecular consequence: missense variant.
Genome position (GRCh38, 1-based): chr20:5,302,416, G>A on the plus strand (C>T on the coding strand, the complement: PROKR2 is on the minus strand). VCF-style: chr20-5302416-G-A. GRCh37 (hg19) VCF-style: chr20-5283062-G-A.
Other names: short protein forms T260M.
Identifiers: ClinVar variation 1303090 (VCV001303090.4), dbSNP rs370738961, ClinGen allele CA9754286.